The following is an entry in ClinVar:

NM_000532.5(PCCB):c.593G>A (p.Gly198Asp)

Gene: PCCB (propionyl-CoA carboxylase subunit beta; plus strand). Cytogenetic location: 3q22.3.
Variant type: single nucleotide variant.
Coding change: c.593G>A on transcript NM_000532.5 (MANE Select); coding-DNA position 593, G replaced by A.
Protein change: p.Gly198Asp; replaces glycine 198 with aspartic acid.
Molecular consequence: missense variant.
Genome position (GRCh38, 1-based): chr3:136,283,886, G>A. VCF-style: chr3-136283886-G-A. GRCh37 (hg19) VCF-style: chr3-136002728-G-A.
Other names: c.653G>A, p.Gly218Asp (NM_001178014.2); short protein forms G198D, G218D.
Identifiers: ClinVar variation 1705197 (VCV001705197.4), dbSNP rs762354873, ClinGen allele CA2631790.
Genomic context (GRCh38, chr3:136,283,886, plus strand): 5'-TGTTTTGGCAGAGGAATGTTACGGCATCCGGAGTCATCCCTCAGATTTCTCTGATCATGG[G>A]CCCATGTGCTGGTGGGGCCGTCTACTCCCCAGCCCTAACAGACTTCACGTTCATGGTAAA-3'
Protein context (NP_000523.2, residues 188-208): GVIPQISLIM[Gly198Asp]PCAGGAVYSP

ClinVar aggregate classification (germline): Likely pathogenic. Review status: criteria provided, multiple submitters, no conflicts (2 of 4 stars). 2 submissions from 2 submitters: Likely pathogenic (2). Last evaluated 2025-07-17.

Conditions:
Propionic acidemia (PROP). Also called: GLYCINEMIA, KETOTIC; HYPERGLYCINEMIA WITH KETOACIDOSIS AND LEUKOPENIA; KETOTIC HYPERGLYCINEMIA. Identifiers: Orphanet 35, MedGen C0268579, MONDO:0011628, OMIM 606054, HP:0003571.

Allele frequency attached by ClinVar (database versions not stated): gnomAD exomes below 0.00001; ExAC 0.00001.
gnomAD v4.1: 1 of 1,613,908 alleles (0.000062%); highest among the groups gnomAD compares: Non-Finnish European, 0.000085%; no homozygotes.

Submissions (2):

Labcorp Genetics (formerly Invitae), Labcorp
Classification: Likely pathogenic for Propionic acidemia. Last evaluated: 2025-07-17. Review status: criteria provided, single submitter. Criteria: Invitae Variant Classification Sherloc (09022015). Collection method: clinical testing. Allele origin: germline.
Comment: This sequence change replaces glycine, which is neutral and non-polar, with aspartic acid, which is acidic and polar, at codon 198 of the PCCB protein (p.Gly198Asp). This variant is present in population databases (rs762354873, gnomAD 0.0009%). This missense change has been observed in individual(s) with propionic acidemia (PMID: 10780784). ClinVar contains an entry for this variant (Variation ID: 1705197). Invitae Evidence Modeling of protein sequence and biophysical properties (such as structural, functional, and spatial information, amino acid conservation, physicochemical variation, residue mobility, and thermodynamic stability) indicates that this missense variant is expected to disrupt PCCB protein function with a positive predictive value of 80%. Experimental studies have shown that this missense change affects PCCB function (PMID: 11749052, 12757933). In summary, the currently available evidence indicates that the variant is pathogenic, but additional data are needed to prove that conclusively. Therefore, this variant has been classified as Likely Pathogenic.

Women's Health and Genetics/Laboratory Corporation of America, LabCorp
Classification: Likely pathogenic for Propionic acidemia. Last evaluated: 2025-05-22. Review status: criteria provided, single submitter. Criteria: LabCorp Variant Classification Summary - May 2015. Collection method: clinical testing. Allele origin: germline.
Comment: Variant summary: PCCB c.593G>A (p.Gly198Asp) results in a non-conservative amino acid change located in the Acetyl-coenzyme A carboxyltransferase, N-terminal domain (IPR011762) of the encoded protein sequence. Algorithms developed to predict the effect of missense changes on protein structure and function all suggest that this variant is likely to be disruptive. The variant allele was found at a frequency of 4e-06 in 251452 control chromosomes. c.593G>A has been reported in the literature as a homozygous genotype in at-least one individual affected with Propionic Acidemia (Rodriguez-Pombo_1998, Perez-Cerda_2000). These data indicate that the variant may be associated with disease. Multiple publications reproducibly report experimental evidence evaluating an impact on protein function (Perez-Cerda_2000, Perez-Cerda_2003, Chloupkova_2002). The most pronounced variant effect results in <1% of normal propionyl-CoA carboxylase enzyme activity. The following publications have been ascertained in the context of this evaluation (PMID: 12007220, 12757933, 10780784, 9683601). ClinVar contains an entry for this variant (Variation ID: 1705197). Based on the evidence outlined above, the variant was classified as likely pathogenic.

Literature cited by the submitters: PubMed 10780784 (cited by Labcorp Genetics (formerly Invitae), Labcorp and Women's Health and Genetics/Laboratory Corporation of America, LabCorp); PubMed 11749052 (cited by Labcorp Genetics (formerly Invitae), Labcorp); PubMed 12757933 (cited by Labcorp Genetics (formerly Invitae), Labcorp and Women's Health and Genetics/Laboratory Corporation of America, LabCorp); PubMed 9683601 (cited by Women's Health and Genetics/Laboratory Corporation of America, LabCorp); PubMed 12007220 (cited by Women's Health and Genetics/Laboratory Corporation of America, LabCorp).